The following is an entry in ClinVar:

NM_001348946.2(ABCB1):c.1984C>T (p.Leu662=)

Gene: ABCB1 (ATP binding cassette subfamily B member 1; minus strand). Cytogenetic location: 7q21.12.
Variant type: single nucleotide variant.
Coding change: c.1984C>T on transcript NM_001348946.2 (MANE Select); coding-DNA position 1984, C replaced by T.
Protein change: p.Leu662=; no amino-acid change (leucine 662 retained).
Molecular consequence: synonymous variant.
Genome position (GRCh38, 1-based): chr7:87,544,903, G>A on the plus strand (C>T on the coding strand, the complement: ABCB1 is on the minus strand). VCF-style: chr7-87544903-G-A. GRCh37 (hg19) VCF-style: chr7-87174219-G-A.
Other names: c.1984C>T, p.Leu662= (NM_000927.5, NM_001348944.2); c.2194C>T, p.Leu732= (NM_001348945.2).
Identifiers: ClinVar variation 3039097 (VCV003039097.2), dbSNP rs138422716, ClinGen allele CA4328159.

ClinVar aggregate classification (germline): Likely benign (0 of 4 stars; one submission).

Conditions:
ABCB1-related disorder. Also called: ABCB1-related condition.

Allele frequency attached by ClinVar (database versions not stated): gnomAD exomes 0.00001; ExAC 0.00007; ESP Exome Variant Server 0.00015; gnomAD 0.00018; TOPMed 0.00022; 1000 Genomes Project 0.00060; 1000 Genomes Project 30x 0.00062.
gnomAD v4.1: 47 of 1,614,024 alleles (0.0029%); highest among the groups gnomAD compares: African/African-American, 0.044%; no homozygotes.

Submission:

PreventionGenetics, part of Exact Sciences
Classification: Likely benign for ABCB1-related condition. Last evaluated: 2019-05-23. Review status: no assertion criteria provided. Collection method: clinical testing. Allele origin: germline.
Comment: This variant is classified as likely benign based on ACMG/AMP sequence variant interpretation guidelines (Richards et al. 2015 PMID: 25741868, with internal and published modifications).